The following is an entry in ClinVar:

NM_032776.3(JMJD1C):c.6233G>A (p.Arg2078His)

Gene: JMJD1C (jumonji domain containing 1C; minus strand). Cytogenetic location: 10q21.3.
Variant type: single nucleotide variant.
Coding change: c.6233G>A on transcript NM_032776.3 (MANE Select); coding-DNA position 6233, G replaced by A.
Protein change: p.Arg2078His; replaces arginine 2078 with histidine.
Molecular consequence: missense variant. On other transcripts: non-coding transcript variant (1).
Genome position (GRCh38, 1-based): chr10:63,190,952, C>T on the plus strand (G>A on the coding strand, the complement: JMJD1C is on the minus strand). VCF-style: chr10-63190952-C-T. GRCh37 (hg19) VCF-style: chr10-64950712-C-T.
Other names: c.5687G>A, p.Arg1896His (NM_001282948.2, NM_001318154.2); c.5369G>A, p.Arg1790His (NM_001318153.2); c.6119G>A, p.Arg2040His (NM_001322252.2); c.5576G>A, p.Arg1859His (NM_001322254.2, NM_001322258.2); short protein forms R1790H, R1859H, R2040H, R1896H, R2078H.
Identifiers: ClinVar variation 943585 (VCV000943585.9), dbSNP rs370391950, ClinGen allele CA5517919.

ClinVar aggregate classification (germline): Uncertain significance (1 of 4 stars; one submission).

Conditions:
Early Myoclonic Encephalopathy. Identifiers: MedGen C0270855.

Allele frequency attached by ClinVar (database versions not stated): gnomAD exomes 0.00001; TOPMed 0.00001; gnomAD 0.00001; ESP Exome Variant Server 0.00008; ExAC 0.00001.
gnomAD v4.1: 5 of 1,614,002 alleles (0.00031%); highest among the groups gnomAD compares: Non-Finnish European, 0.00025%; no homozygotes.

Submission:

Labcorp Genetics (formerly Invitae), Labcorp
Classification: Uncertain significance for Early Myoclonic Encephalopathy. Last evaluated: 2024-11-27. Review status: criteria provided, single submitter. Criteria: Invitae Variant Classification Sherloc (09022015). Collection method: clinical testing. Allele origin: germline.
Comment: This sequence change replaces arginine, which is basic and polar, with histidine, which is basic and polar, at codon 2078 of the JMJD1C protein (p.Arg2078His). This variant is present in population databases (rs370391950, gnomAD 0.004%). This variant has not been reported in the literature in individuals affected with JMJD1C-related conditions. ClinVar contains an entry for this variant (Variation ID: 943585). Invitae Evidence Modeling of protein sequence and biophysical properties (such as structural, functional, and spatial information, amino acid conservation, physicochemical variation, residue mobility, and thermodynamic stability) indicates that this missense variant is expected to disrupt JMJD1C protein function with a positive predictive value of 80%. In summary, the available evidence is currently insufficient to determine the role of this variant in disease. Therefore, it has been classified as a Variant of Uncertain Significance.